The following is an entry in ClinVar:

NM_018136.5(ASPM):c.4128C>T (p.Ile1376=)

Gene: ASPM (assembly factor for spindle microtubules; minus strand). Cytogenetic location: 1q31.3.
Variant type: single nucleotide variant.
Coding change: c.4128C>T on transcript NM_018136.5 (MANE Select); coding-DNA position 4128, C replaced by T.
Protein change: p.Ile1376=; no amino-acid change (isoleucine 1376 retained).
Molecular consequence: synonymous variant. On other transcripts: intron variant (1).
Genome position (GRCh38, 1-based): chr1:197,105,123, G>A on the plus strand (C>T on the coding strand, the complement: ASPM is on the minus strand). VCF-style: chr1-197105123-G-A. GRCh37 (hg19) VCF-style: chr1-197074253-G-A.
Other names: c.4066-8959C>T (NM_001206846.2).
Identifiers: ClinVar variation 4084578 (VCV004084578.8).

ClinVar aggregate classification (germline): Likely benign (1 of 4 stars; one submission).

gnomAD v4.1: 5 of 1,608,600 alleles (0.00031%); highest among the groups gnomAD compares: Non-Finnish European, 0.00043%; no homozygotes.

Submission:

CeGaT Center for Human Genetics Tuebingen
Classification: Likely benign. Last evaluated: 2025-09-01. Review status: criteria provided, single submitter. Criteria: CeGaT Center For Human Genetics Tuebingen Variant Classification Criteria Version 2. Collection method: clinical testing. Allele origin: germline. Affected: yes. Observed: 1 variant allele.
Comment: ASPM: BP4, BP7